The following is an entry in ClinVar:

ClinVar aggregate classification (germline): Uncertain significance (1 of 4 stars; one submission).

Submission:

Women's Health and Genetics/Laboratory Corporation of America, LabCorp
Classification: Uncertain significance. Last evaluated: 2025-07-18. Review status: criteria provided, single submitter. Criteria: LabCorp Variant Classification Summary - May 2015. Collection method: clinical testing. Allele origin: germline.
Comment: Variant summary: LMBRD2 c.2070C>G (p.Asp690Glu) results in a conservative amino acid change in the encoded protein sequence. Algorithms developed to predict the effect of missense changes on protein structure and function all suggest that this variant is likely to be tolerated. The variant was absent in 249702 control chromosomes (gnomAD). The available data on variant occurrences in the general population are insufficient to allow any conclusion about variant significance. To our knowledge, no occurrence of c.2070C>G in individuals affected with Developmental Delay With Variable Neurologic And Brain Abnormalities and no experimental evidence demonstrating its impact on protein function have been reported. No submitters have cited clinical-significance assessments for this variant to ClinVar. Based on the evidence outlined above, the variant was classified as uncertain significance.

NM_001007527.2(LMBRD2):c.2070C>G (p.Asp690Glu)

Gene: LMBRD2 (LMBR1 domain containing 2; minus strand). Cytogenetic location: 5p13.2.
Variant type: single nucleotide variant.
Coding change: c.2070C>G on transcript NM_001007527.2 (MANE Select); coding-DNA position 2070, C replaced by G.
Protein change: p.Asp690Glu; replaces aspartic acid 690 with glutamic acid.
Molecular consequence: missense variant.
Genome position (GRCh38, 1-based): chr5:36,104,064, G>C on the plus strand (C>G on the coding strand, the complement: LMBRD2 is on the minus strand). VCF-style: chr5-36104064-G-C. GRCh37 (hg19) VCF-style: chr5-36104166-G-C.
Other names: short protein forms D690E.
Identifiers: ClinVar variation 4525783 (VCV004525783.1).